The following is an entry in ClinVar:

NM_005859.5(PURA):c.430A>G (p.Lys144Glu)

Genes: PURA (purine rich element binding protein A; plus strand), LOC129994826 (ATAC-STARR-seq lymphoblastoid active region 23260; plus strand). Cytogenetic location: 5q31.3.
Variant type: single nucleotide variant.
Coding change: c.430A>G on transcript NM_005859.5 (MANE Select); coding-DNA position 430, A replaced by G.
Protein change: p.Lys144Glu; replaces lysine 144 with glutamic acid.
Molecular consequence: missense variant.
Genome position (GRCh38, 1-based): chr5:140,114,611, A>G. VCF-style: chr5-140114611-A-G. GRCh37 (hg19) VCF-style: chr5-139494196-A-G.
Other names: short protein forms K144E.
Identifiers: ClinVar variation 666300 (VCV000666300.4), dbSNP rs1581036396, ClinGen allele CA361490746.

ClinVar aggregate classification (germline): Likely pathogenic. Review status: criteria provided, multiple submitters, no conflicts (2 of 4 stars). 3 submissions from 3 submitters: Likely pathogenic (3). Last evaluated 2025-06-23.

Conditions:
PURA-related severe neonatal hypotonia-seizures-encephalopathy syndrome (NEDRIHF). Also called: NEURODEVELOPMENTAL DISORDER WITH NEONATAL RESPIRATORY INSUFFICIENCY, HYPOTONIA, AND FEEDING DIFFICULTIES; PURA-Related Neurodevelopmental Disorders. Identifiers: Orphanet 438213, Orphanet 438216, MedGen C4015357, MONDO:1060108, OMIM 616158, MONDO:0018580.
Intellectual disability. Also called: intellectual disabilities; Intellectual functioning disability; Intellectual developmental disorder. Identifiers: MedGen C3714756, MeSH D008607, MONDO:0001071, HP:0001249.

Submissions (3):

GeneDx
Classification: Likely pathogenic. Last evaluated: 2025-06-23. Review status: criteria provided, single submitter. Criteria: GeneDx Variant Classification Process June 2021. Collection method: clinical testing. Allele origin: germline. Affected: yes.
Comment: Not observed at significant frequency in large population cohorts (gnomAD); In silico analysis supports that this missense variant has a deleterious effect on protein structure/function; This variant is associated with the following publications: (PMID: 34790866)

Diagnostic Laboratory, Strasbourg University Hospital
Classification: Likely pathogenic for Intellectual disability. Last evaluated: 2020-04-20. Review status: criteria provided, single submitter. Criteria: ACMG Guidelines, 2015. Collection method: clinical testing. Allele origin: de novo. Inheritance: Autosomal dominant inheritance. Affected: yes. Observed: 1 heterozygote.

Equipe Genetique des Anomalies du Developpement, Université de Bourgogne
Classification: Likely pathogenic for PURA-related severe neonatal hypotonia-seizures-encephalopathy syndrome. Last evaluated: 2016-01-01. Review status: criteria provided, single submitter. Criteria: ACMG Guidelines, 2015. Collection method: clinical testing. Allele origin: de novo. Affected: yes.